The following is an entry in ClinVar:

ClinVar aggregate classification (germline): Uncertain significance. Review status: criteria provided, single submitter (1 of 4 stars). 2 submissions from 2 submitters: Uncertain significance (1). 1 of the submissions does not count toward it. Last evaluated 2024-09-30.

Conditions:
Cystic fibrosis (CF). Also called: MUCOVISCIDOSIS. Identifiers: Orphanet 586, MedGen C0010674, MONDO:0009061, OMIM 219700. Disease mechanism: loss of function.
CFTR-related disorder (CFTR-RD). Also called: CFTR-related disorders; CFTR-related condition. Identifiers: MedGen C5924204, MONDO:7770004.

Allele frequency attached by ClinVar (database versions not stated): gnomAD exomes below 0.00001.
gnomAD v4.1: 2 of 1,612,548 alleles (0.00012%); highest among the groups gnomAD compares: Non-Finnish European, 0.00017%; no homozygotes.

Submissions (2):

Labcorp Genetics (formerly Invitae), Labcorp
Classification: Uncertain significance for Cystic fibrosis. Last evaluated: 2024-09-30. Review status: criteria provided, single submitter. Criteria: Invitae Variant Classification Sherloc (09022015). Collection method: clinical testing. Allele origin: germline.
Comment: This sequence change replaces isoleucine, which is neutral and non-polar, with valine, which is neutral and non-polar, at codon 482 of the CFTR protein (p.Ile482Val). This variant is not present in population databases (gnomAD no frequency). This variant has not been reported in the literature in individuals affected with CFTR-related conditions. ClinVar contains an entry for this variant (Variation ID: 1038737). Invitae Evidence Modeling of protein sequence and biophysical properties (such as structural, functional, and spatial information, amino acid conservation, physicochemical variation, residue mobility, and thermodynamic stability) indicates that this missense variant is not expected to disrupt CFTR protein function with a negative predictive value of 80%. In summary, the available evidence is currently insufficient to determine the role of this variant in disease. Therefore, it has been classified as a Variant of Uncertain Significance.

Natera, Inc.
Classification: Uncertain significance for CFTR-related disorders. Last evaluated: 2020-09-02. Review status: no assertion criteria provided. Collection method: clinical testing. Allele origin: germline. Not counted in ClinVar's aggregate classification.

NM_000492.4(CFTR):c.1444A>G (p.Ile482Val)

Genes: CFTR (CF transmembrane conductance regulator; plus strand), CFTR-AS1 (CFTR antisense RNA 1; minus strand). Cytogenetic location: 7q31.2.
Variant type: single nucleotide variant.
Coding change: c.1444A>G on transcript NM_000492.4 (MANE Select); coding-DNA position 1444, A replaced by G.
Protein change: p.Ile482Val; replaces isoleucine 482 with valine.
Molecular consequence: missense variant.
Genome position (GRCh38, 1-based): chr7:117,559,515, A>G. VCF-style: chr7-117559515-A-G. GRCh37 (hg19) VCF-style: chr7-117199569-A-G.
Other names: short protein forms I482V.
Identifiers: ClinVar variation 1038737 (VCV001038737.9), dbSNP rs1799418782, ClinGen allele CA368984434.